The following is an entry in ClinVar:

NM_004370.6(COL12A1):c.764A>G (p.Asp255Gly)

Gene: COL12A1 (collagen type XII alpha 1 chain; minus strand). Cytogenetic location: 6q13.
Variant type: single nucleotide variant.
Coding change: c.764A>G on transcript NM_004370.6 (MANE Select); coding-DNA position 764, A replaced by G.
Protein change: p.Asp255Gly; replaces aspartic acid 255 with glycine.
Molecular consequence: missense variant. On other transcripts: intron variant (2).
Genome position (GRCh38, 1-based): chr6:75,189,276, T>C on the plus strand (A>G on the coding strand, the complement: COL12A1 is on the minus strand). VCF-style: chr6-75189276-T-C. GRCh37 (hg19) VCF-style: chr6-75898992-T-C.
Other names: c.764A>G, p.Asp255Gly (NM_001424113.1, NM_001424114.1, NM_001424115.1); c.73+13444A>G (NM_001424116.1, NM_080645.3); short protein forms D255G.
Identifiers: ClinVar variation 4527870 (VCV004527870.1).

ClinVar aggregate classification (germline): Uncertain significance (1 of 4 stars; one submission).

Submission:

GeneDx
Classification: Uncertain significance. Last evaluated: 2025-04-30. Review status: criteria provided, single submitter. Criteria: GeneDx Variant Classification Process June 2021. Collection method: clinical testing. Allele origin: germline. Affected: yes.
Comment: Not observed at significant frequency in large population cohorts (gnomAD); In silico analysis indicates that this missense variant does not alter protein structure/function; Has not been previously published as pathogenic or benign to our knowledge